The following is an entry in ClinVar:

NM_181507.2(HPS5):c.2911A>G (p.Ile971Val)

Gene: HPS5 (HPS5 biogenesis of lysosomal organelles complex 2 subunit 2; minus strand). Cytogenetic location: 11p15.1.
Variant type: single nucleotide variant.
Coding change: c.2911A>G on transcript NM_181507.2 (MANE Select); coding-DNA position 2911, A replaced by G.
Protein change: p.Ile971Val; replaces isoleucine 971 with valine.
Molecular consequence: missense variant.
Genome position (GRCh38, 1-based): chr11:18,285,386, T>C on the plus strand (A>G on the coding strand, the complement: HPS5 is on the minus strand). VCF-style: chr11-18285386-T-C. GRCh37 (hg19) VCF-style: chr11-18306933-T-C.
Other names: c.2569A>G, p.Ile857Val (NM_007216.4, NM_181508.2); short protein forms I857V, I971V.
Identifiers: ClinVar variation 2055333 (VCV002055333.1), dbSNP rs2494446048, ClinGen allele CA379514907.

ClinVar aggregate classification (germline): Uncertain significance (1 of 4 stars; one submission).

Allele frequency attached by ClinVar (database versions not stated): gnomAD exomes 0.00001.
gnomAD v4.1: 3 of 1,613,540 alleles (0.00019%); highest among the groups gnomAD compares: South Asian, 0.0022%; no homozygotes.

Submission:

Labcorp Genetics (formerly Invitae), Labcorp
Classification: Uncertain significance. Last evaluated: 2021-12-23. Review status: criteria provided, single submitter. Criteria: Invitae Variant Classification Sherloc (09022015). Collection method: clinical testing. Allele origin: germline.
Comment: This sequence change replaces isoleucine, which is neutral and non-polar, with valine, which is neutral and non-polar, at codon 971 of the HPS5 protein (p.Ile971Val). This variant is not present in population databases (gnomAD no frequency). This variant has not been reported in the literature in individuals affected with HPS5-related conditions. Algorithms developed to predict the effect of missense changes on protein structure and function (SIFT, PolyPhen-2, Align-GVGD) all suggest that this variant is likely to be tolerated. In summary, the available evidence is currently insufficient to determine the role of this variant in disease. Therefore, it has been classified as a Variant of Uncertain Significance.